The following is an entry in ClinVar:

ClinVar aggregate classification (germline): Uncertain significance. Review status: criteria provided, multiple submitters, no conflicts (2 of 4 stars). 2 submissions from 2 submitters: Uncertain significance (2). Last evaluated 2026-07-20.

Conditions:
Inborn genetic diseases. Identifiers: MedGen C0950123, MeSH D030342.

Allele frequency attached by ClinVar (database versions not stated): gnomAD exomes below 0.00001; TOPMed below 0.00001; gnomAD 0.00001.
gnomAD v4.1: 4 of 1,199,336 alleles (0.00033%); highest among the groups gnomAD compares: Admixed American, 0.0023%; no homozygotes.

Submissions (2):

GeneDx
Classification: Uncertain significance. Last evaluated: 2026-07-20. Review status: criteria provided, single submitter. Criteria: GeneDx Variant Classification Process June 2021. Collection method: clinical testing. Allele origin: germline.
Comment: Not observed at significant frequency in large population cohorts (gnomAD); In silico analysis supports that this missense variant has a deleterious effect on protein structure/function; Has not been previously published as pathogenic or benign to our knowledge

Ambry Genetics
Classification: Uncertain significance for Inborn genetic diseases. Last evaluated: 2023-01-26. Review status: criteria provided, single submitter. Criteria: Ambry Variant Classification Scheme 2023. Collection method: clinical testing. Allele origin: germline.

NM_015107.3(PHF8):c.2902C>T (p.Arg968Cys)

Gene: PHF8 (PHD finger protein 8; minus strand). Cytogenetic location: Xp11.22.
Variant type: single nucleotide variant.
Coding change: c.2902C>T on transcript NM_015107.3 (MANE Select); coding-DNA position 2902, C replaced by T.
Protein change: p.Arg968Cys; replaces arginine 968 with cysteine.
Molecular consequence: missense variant.
Genome position (GRCh38, 1-based): chrX:53,940,264, G>A on the plus strand (C>T on the coding strand, the complement: PHF8 is on the minus strand). VCF-style: chrX-53940264-G-A. GRCh37 (hg19) VCF-style: chrX-53966697-G-A.
Other names: c.3010C>T, p.Arg1004Cys (NM_001184896.1); c.2599C>T, p.Arg867Cys (NM_001184897.2); short protein forms R968C, R1004C, R867C.
Identifiers: ClinVar variation 2479263 (VCV002479263.5), dbSNP rs1220032301, ClinGen allele CA413240783.